The following is an entry in ClinVar:

NM_001382.4(DPAGT1):c.1208G>A (p.Arg403Gln)

Gene: DPAGT1 (dolichyl-phosphate N-acetylglucosaminephosphotransferase 1; minus strand). Cytogenetic location: 11q23.3.
Variant type: single nucleotide variant.
Coding change: c.1208G>A on transcript NM_001382.4 (MANE Select); coding-DNA position 1208, G replaced by A.
Protein change: p.Arg403Gln; replaces arginine 403 with glutamine.
Molecular consequence: missense variant.
Genome position (GRCh38, 1-based): chr11:119,097,017, C>T on the plus strand (G>A on the coding strand, the complement: DPAGT1 is on the minus strand). VCF-style: chr11-119097017-C-T. GRCh37 (hg19) VCF-style: chr11-118967727-C-T.
Other names: c.1208G>A (NM_001382.3); short protein forms R403Q.
Identifiers: ClinVar variation 1956055 (VCV001956055.4), dbSNP rs896612042, ClinGen allele CA229601499.
Genomic context (GRCh38, chr11:119,097,017, plus strand): 5'-AATCCTAGAGACTGTGAGGTAAAGGACAATGATCAAGGGACTCAGACATCATAGAAGAGT[C>T]GAACGAGCTGATATCGAATGGAGAAGGTGATGGCACTGCCCAGGATCTGCAAGGAGAAAT-3'
Protein context (NP_001373.2, residues 393-408): ITFSIRYQLV[Arg403Gln]LFYDV

ClinVar aggregate classification (germline): Uncertain significance. Review status: criteria provided, multiple submitters, no conflicts (2 of 4 stars). 2 submissions from 2 submitters: Uncertain significance (2). Last evaluated 2023-01-26.

Conditions:
Congenital myasthenic syndrome 13 (CMS13). Also called: Myasthenic syndrome, congenital, 13, with tubular aggregates; Myasthenic syndrome, congenital, with tubular aggregates 2. Identifiers: Orphanet 353327, Orphanet 590, MedGen C3553645, MONDO:0013883, OMIM 614750.
DPAGT1-congenital disorder of glycosylation. Also called: DPAGT1-CDG; CONGENITAL DISORDER OF GLYCOSYLATION, TYPE Ij; CDG Ij. Identifiers: Orphanet 86309, MedGen C2931004, MONDO:0011964, OMIM 608093.
Inborn genetic diseases. Identifiers: MedGen C0950123, MeSH D030342.

Allele frequency attached by ClinVar (database versions not stated): gnomAD 0.00001; TOPMed 0.00002; gnomAD exomes 0.00005.
gnomAD v4.1: 73 of 1,613,988 alleles (0.0045%); highest among the groups gnomAD compares: Non-Finnish European, 0.0058%; 1 homozygote.

Submissions (2):

Ambry Genetics
Classification: Uncertain significance for Inborn genetic diseases. Last evaluated: 2023-01-26. Review status: criteria provided, single submitter. Criteria: Ambry Variant Classification Scheme 2023. Collection method: clinical testing. Allele origin: germline.

Labcorp Genetics (formerly Invitae), Labcorp
Classification: Uncertain significance for Congenital myasthenic syndrome 13; DPAGT1-congenital disorder of glycosylation. Last evaluated: 2022-05-09. Review status: criteria provided, single submitter. Criteria: Invitae Variant Classification Sherloc (09022015). Collection method: clinical testing. Allele origin: germline.
Comment: This sequence change replaces arginine, which is basic and polar, with glutamine, which is neutral and polar, at codon 403 of the DPAGT1 protein (p.Arg403Gln). This variant is present in population databases (no rsID available, gnomAD 0.003%). This variant has not been reported in the literature in individuals affected with DPAGT1-related conditions. Algorithms developed to predict the effect of missense changes on protein structure and function are either unavailable or do not agree on the potential impact of this missense change (SIFT: "Tolerated"; PolyPhen-2: "Possibly Damaging"; Align-GVGD: "Class C0"). In summary, the available evidence is currently insufficient to determine the role of this variant in disease. Therefore, it has been classified as a Variant of Uncertain Significance.